The following is an entry in ClinVar:

ClinVar aggregate classification (germline): Uncertain significance (1 of 4 stars; one submission).

Conditions:
Ehlers-Danlos syndrome, type 4 (EDSVASC). Also called: Ehlers-Danlos syndrome vascular type; Ehlers Danlos syndrome, ecchymotic type; Ehlers Danlos syndrome, arterial type; Ehlers Danlos syndrome, Sack-Barabas type; Ehlers-Danlos Syndrome Type IV. Identifiers: Orphanet 286, MedGen C0268338, MONDO:0017314, OMIM 130050.

gnomAD v4.1: 1 of 1,614,018 alleles (0.000062%); highest among the groups gnomAD compares: Non-Finnish European, 0.000085%; no homozygotes.

Submission:

All of Us Research Program, National Institutes of Health
Classification: Uncertain significance for Ehlers-Danlos syndrome, type 4. Last evaluated: 2024-03-24. Review status: criteria provided, single submitter. Criteria: ACMG Guidelines, 2015. Collection method: clinical testing. Allele origin: germline. Inheritance: Autosomal dominant inheritance. Observed: 1 variant allele, 1 heterozygote.
Comment: This variant causes an A to C nucleotide substitution at the +4 position of intron 38/50 of the COL3A1 gene. To our knowledge, functional studies have not been reported for this variant. This variant has not been reported in individuals affected with COL3A1-related disorders in the literature. This variant has not been identified in the general population by the Genome Aggregation Database (gnomAD). The available evidence is insufficient to determine the role of this variant in disease conclusively. Therefore, this variant is classified as a Variant of Uncertain Significance.

This study involves interpretation of variants in research participants for the purpose of population health screening. Participant phenotype was not available at the time of variant classification. Additional details can be found in publication PMID: 35346344, PMCID: PMC8962531

NM_000090.4(COL3A1):c.2661+4A>C

Gene: COL3A1 (collagen type III alpha 1 chain; plus strand). Cytogenetic location: 2q32.2.
Variant type: single nucleotide variant.
Coding change: c.2661+4A>C on transcript NM_000090.4 (MANE Select); 4 bases into the intron after coding-DNA position 2661, A replaced by C.
Molecular consequence: intron variant.
Genome position (GRCh38, 1-based): chr2:189,003,791, A>C. VCF-style: chr2-189003791-A-C. GRCh37 (hg19) VCF-style: chr2-189868517-A-C.
Identifiers: ClinVar variation 3386470 (VCV003386470.1).